The following is an entry in ClinVar:

NM_003737.4(DCHS1):c.3299A>C (p.Glu1100Ala)

Gene: DCHS1 (dachsous cadherin-related 1; minus strand). Cytogenetic location: 11p15.4.
Variant type: single nucleotide variant.
Coding change: c.3299A>C on transcript NM_003737.4 (MANE Select); coding-DNA position 3299, A replaced by C.
Protein change: p.Glu1100Ala; replaces glutamic acid 1100 with alanine.
Molecular consequence: missense variant.
Genome position (GRCh38, 1-based): chr11:6,632,213, T>G on the plus strand (A>C on the coding strand, the complement: DCHS1 is on the minus strand). VCF-style: chr11-6632213-T-G. GRCh37 (hg19) VCF-style: chr11-6653444-T-G.
Other names: short protein forms E1100A.
Identifiers: ClinVar variation 2799712 (VCV002799712.3), dbSNP rs2493828668, ClinGen allele CA379416005.
Genomic context (GRCh38, chr11:6,632,213, plus strand): 5'-GGGGGCTGGTTCTCAGCCACAGCCAGGAAGGTGGGATCCTCAGACAAGCGGGGACTGTGT[T>G]CATTCTGGTTGAGGATGCTGACCCTCACGGTGGCTGTGCCTGTCTGCTGCCCCAACTCAG-3'
Protein context (NP_003728.1, residues 1090-1110): TVRVSILNQN[Glu1100Ala]HSPRLSEDPT

ClinVar aggregate classification (germline): Uncertain significance (1 of 4 stars; one submission).

Submission:

Labcorp Genetics (formerly Invitae), Labcorp
Classification: Uncertain significance. Last evaluated: 2023-12-23. Review status: criteria provided, single submitter. Criteria: Invitae Variant Classification Sherloc (09022015). Collection method: clinical testing. Allele origin: germline.
Comment: This sequence change replaces glutamic acid, which is acidic and polar, with alanine, which is neutral and non-polar, at codon 1100 of the DCHS1 protein (p.Glu1100Ala). This variant is not present in population databases (gnomAD no frequency). This variant has not been reported in the literature in individuals affected with DCHS1-related conditions. Advanced modeling of protein sequence and biophysical properties (such as structural, functional, and spatial information, amino acid conservation, physicochemical variation, residue mobility, and thermodynamic stability) performed at Invitae indicates that this missense variant is not expected to disrupt DCHS1 protein function with a negative predictive value of 80%. In summary, the available evidence is currently insufficient to determine the role of this variant in disease. Therefore, it has been classified as a Variant of Uncertain Significance.